The following is an entry in ClinVar:

NM_000639.3(FASLG):c.829G>A (p.Gly277Ser)

Gene: FASLG (Fas ligand; plus strand). Cytogenetic location: 1q24.3.
Variant type: single nucleotide variant.
Coding change: c.829G>A on transcript NM_000639.3 (MANE Select); coding-DNA position 829, G replaced by A.
Protein change: p.Gly277Ser; replaces glycine 277 with serine.
Molecular consequence: missense variant. On other transcripts: 3 prime UTR variant (1).
Genome position (GRCh38, 1-based): chr1:172,665,999, G>A. VCF-style: chr1-172665999-G-A. GRCh37 (hg19) VCF-style: chr1-172635139-G-A.
Other names: c.829G>A (NM_000639.2); c.*399G>A (NM_001302746.2); short protein forms G277S.
Identifiers: ClinVar variation 1327544 (VCV001327544.5), dbSNP rs1413244355, ClinGen allele CA343806723.

ClinVar aggregate classification (germline): Likely pathogenic. Review status: criteria provided, multiple submitters, no conflicts (2 of 4 stars). 3 submissions from 3 submitters: Likely pathogenic (2). 1 of the submissions does not count toward it. Last evaluated 2024-12-19.

Conditions:
Autoimmune lymphoproliferative syndrome type 1. Also called: AUTOIMMUNE LYMPHOPROLIFERATIVE SYNDROME, TYPE I, AUTOSOMAL DOMINANT. Identifiers: Orphanet 3261, MedGen C2717884, MONDO:0011158, OMIM 601859.
Lung cancer. Also called: Lung cancer, somatic; Malignant tumor of lung. Identifiers: MedGen C0242379, MONDO:0008903, OMIM 211980.

Allele frequency attached by ClinVar (database versions not stated): gnomAD 0.00001; TOPMed 0.00001.
gnomAD v4.1: 3 of 1,613,626 alleles (0.00019%); highest among the groups gnomAD compares: African/African-American, 0.0013%; no homozygotes.

Submissions (3):

Genomic Medicine Center of Excellence, King Faisal Specialist Hospital and Research Centre
Classification: Likely pathogenic for Lung cancer. Last evaluated: 2024-12-19. Review status: criteria provided, single submitter. Criteria: ACMG Guidelines, 2015. Collection method: clinical testing. Allele origin: germline.

Juno Genomics, Hangzhou Juno Genomics, Inc
Classification: Likely pathogenic for Lung cancer; Autoimmune lymphoproliferative syndrome type 1. Review status: criteria provided, single submitter. Criteria: ACMG Guidelines, 2015. Collection method: clinical testing. Allele origin: germline.
Comment: Absent from controls (or at extremely low frequency if recessive) in Genome Aggregation Database.;Well-established in vitro or in vivo functional studies supportive of a damaging effect on the gene or gene product.;For recessive disorders, detected in trans with a pathogenic variant.;Co-segregation with disease in multiple affected family members.;Patient's phenotype or family history is highly specific for a disease with a single genetic etiology.

GeneReviews
No classification provided. Condition: Autoimmune lymphoproliferative syndrome. Review status: no classification provided. Collection method: literature only. Allele origin: germline. Not counted in ClinVar's aggregate classification.
Comment: Observed in two affected sibs

Literature cited by the submitters: PubMed 26456038 (cited by GeneReviews).